The following is an entry in ClinVar:

NM_003482.4(KMT2D):c.8198G>A (p.Ser2733Asn)

Gene: KMT2D (lysine methyltransferase 2D; minus strand). Cytogenetic location: 12q13.12.
Variant type: single nucleotide variant.
Coding change: c.8198G>A on transcript NM_003482.4 (MANE Select); coding-DNA position 8198, G replaced by A.
Protein change: p.Ser2733Asn; replaces serine 2733 with asparagine.
Molecular consequence: missense variant.
Genome position (GRCh38, 1-based): chr12:49,039,466, C>T on the plus strand (G>A on the coding strand, the complement: KMT2D is on the minus strand). VCF-style: chr12-49039466-C-T. GRCh37 (hg19) VCF-style: chr12-49433249-C-T.
Other names: short protein forms S2733N.
Identifiers: ClinVar variation 4072658 (VCV004072658.2).

ClinVar aggregate classification (germline): Uncertain significance. Review status: criteria provided, multiple submitters, no conflicts (2 of 4 stars). 2 submissions from 2 submitters: Uncertain significance (2). Last evaluated 2025-06-21.

Conditions:
KMT2D-related disorder. Also called: KMT2D-Related Disorders.

gnomAD v4.1: 1 of 1,605,092 alleles (0.000062%); no homozygotes.

Submissions (2):

PreventionGenetics, part of Exact Sciences
Classification: Uncertain significance for KMT2D-related condition. Last evaluated: 2025-06-21. Review status: criteria provided, single submitter. Criteria: ACMG Guidelines, 2015. Collection method: clinical testing. Allele origin: germline.
Comment: The KMT2D c.8198G>A variant is predicted to result in the amino acid substitution p.Ser2733Asn. To our knowledge, this variant has not been reported in the literature or in a large population database (gnomAD), indicating this variant is rare. At this time, the clinical significance of this variant is uncertain due to the absence of conclusive functional and genetic evidence.

GeneDx
Classification: Uncertain significance. Last evaluated: 2025-01-29. Review status: criteria provided, single submitter. Criteria: GeneDx Variant Classification Process June 2021. Collection method: clinical testing. Allele origin: germline. Affected: yes.
Comment: Not observed at significant frequency in large population cohorts (gnomAD); In silico analysis indicates that this missense variant does not alter protein structure/function; Has not been previously published as pathogenic or benign to our knowledge